The following is an entry in ClinVar:

ClinVar aggregate classification (germline): Uncertain significance. Review status: criteria provided, multiple submitters, no conflicts (2 of 4 stars). 3 submissions from 3 submitters: Uncertain significance (3). Last evaluated 2026-02-01.

Conditions:
Meckel-Gruber syndrome. Also called: DYSENCEPHALIA SPLANCHNOCYSTICA; GRUBER SYNDROME; Dysencephalia splachnocystica. Identifiers: Orphanet 564, MedGen C0265215, MONDO:0018921.
Joubert syndrome. Also called: Familial aplasia of the vermis; JOUBERT-BOLTSHAUSER SYNDROME. Identifiers: Orphanet 475, MedGen C5979921, MONDO:0018772.

Allele frequency attached by ClinVar (database versions not stated): gnomAD 0.00001; ExAC 0.00002; gnomAD exomes 0.00002; TOPMed 0.00002; ESP Exome Variant Server 0.00008.
gnomAD v4.1: 32 of 1,613,930 alleles (0.002%); highest among the groups gnomAD compares: Admixed American, 0.0033%; no homozygotes.

Submissions (3):

Labcorp Genetics (formerly Invitae), Labcorp
Classification: Uncertain significance for Joubert syndrome; Meckel-Gruber syndrome. Last evaluated: 2026-02-01. Review status: criteria provided, single submitter. Criteria: Invitae Variant Classification Sherloc (09022015). Collection method: clinical testing. Allele origin: germline.
Comment: This sequence change replaces serine, which is neutral and polar, with leucine, which is neutral and non-polar, at codon 224 of the TCTN1 protein (p.Ser224Leu). This variant is present in population databases (rs376544711, gnomAD 0.006%). This variant has not been reported in the literature in individuals affected with TCTN1-related conditions. ClinVar contains an entry for this variant (Variation ID: 1432840). Invitae Evidence Modeling of protein sequence and biophysical properties (such as structural, functional, and spatial information, amino acid conservation, physicochemical variation, residue mobility, and thermodynamic stability) indicates that this missense variant is expected to disrupt TCTN1 protein function with a positive predictive value of 80%. In summary, the available evidence is currently insufficient to determine the role of this variant in disease. Therefore, it has been classified as a Variant of Uncertain Significance.

GeneDx
Classification: Uncertain significance. Last evaluated: 2024-03-07. Review status: criteria provided, single submitter. Criteria: GeneDx Variant Classification Process June 2021. Collection method: clinical testing. Allele origin: germline. Affected: yes.
Comment: Not observed at significant frequency in large population cohorts (gnomAD); In silico analysis supports that this missense variant has a deleterious effect on protein structure/function; Has not been previously published as pathogenic or benign to our knowledge

Blueprint Genetics
Classification: Uncertain significance. Last evaluated: 2021-09-09. Review status: criteria provided, single submitter. Criteria: ACMG Guidelines, 2015. Collection method: clinical testing. Allele origin: germline.

NM_001082538.3(TCTN1):c.671C>T (p.Ser224Leu)

Gene: TCTN1 (tectonic family member 1; plus strand). Cytogenetic location: 12q24.11.
Variant type: single nucleotide variant.
Coding change: c.671C>T on transcript NM_001082538.3 (MANE Select); coding-DNA position 671, C replaced by T.
Protein change: p.Ser224Leu; replaces serine 224 with leucine.
Molecular consequence: missense variant. On other transcripts: non-coding transcript variant (1).
Genome position (GRCh38, 1-based): chr12:110,632,518, C>T. VCF-style: chr12-110632518-C-T. GRCh37 (hg19) VCF-style: chr12-111070323-C-T.
Other names: c.671C>T (NM_001082538.2); c.671C>T, p.Ser224Leu (NM_001082537.3, NM_001319680.2, NM_024549.6); c.503C>T, p.Ser168Leu (NM_001173975.3); c.491C>T, p.Ser164Leu (NM_001173976.2); c.137C>T, p.Ser46Leu (NM_001319681.2); short protein forms S224L, S164L, S46L, S168L.
Identifiers: ClinVar variation 1432840 (VCV001432840.8), dbSNP rs376544711, ClinGen allele CA6786663.
Genomic context (GRCh38, chr12:110,632,518, plus strand): 5'-TGTTGTGTTTGCAGTATGGGGTTCCTCTGCAGACTTCAGATTCGTTTCTGAGATTTCCTT[C>T]GTCCCTGACATCATCTCTGTGCACTGATAATAACCCTGCAGGTAAGAAAGTGGTCATTCT-3'
Protein context (NP_001076007.1, residues 214-234): QTSDSFLRFP[Ser224Leu]SLTSSLCTDN